The following is an entry in ClinVar:

NM_000143.4(FH):c.201T>G (p.Tyr67Ter)

Gene: FH (fumarate hydratase; minus strand). Cytogenetic location: 1q43.
Variant type: single nucleotide variant.
Coding change: c.201T>G on transcript NM_000143.4 (MANE Select); coding-DNA position 201, T replaced by G.
Protein change: p.Tyr67Ter; replaces tyrosine 67 with a stop codon.
Molecular consequence: nonsense.
Genome position (GRCh38, 1-based): chr1:241,517,248, A>C on the plus strand (T>G on the coding strand, the complement: FH is on the minus strand). VCF-style: chr1-241517248-A-C. GRCh37 (hg19) VCF-style: chr1-241680548-A-C.
Other names: short protein forms Y67*.
Identifiers: ClinVar variation 576558 (VCV000576558.16), dbSNP rs1558402241, ClinGen allele CA345441846.

ClinVar aggregate classification (germline): Pathogenic. Review status: criteria provided, multiple submitters, no conflicts (2 of 4 stars). 3 submissions from 3 submitters: Pathogenic (3). Last evaluated 2025-03-18.

Conditions:
Hereditary leiomyomatosis and renal cell cancer. Also called: MULTIPLE CUTANEOUS AND UTERINE LEIOMYOMATA 1, WITH OR WITHOUT RENAL CELL CARCINOMA; Reed syndrome; Multiple cutaneous and uterine leiomyomatosis; Cutaneous leiomyomata with uterine leiomyomata; Leiomyoma, hereditary multiple, of skin; Multiple cutaneous and uterine leiomyomata. Identifiers: Orphanet 523, MedGen C1708350, MONDO:0007888, OMIM 150800, HP:0007437. Disease mechanism: loss of function.
Hereditary cancer-predisposing syndrome. Also called: Hereditary Cancer Syndrome; Tumor predisposition; Neoplastic Syndromes, Hereditary; Hereditary neoplastic syndrome. Identifiers: Orphanet 140162, MedGen C0027672, MeSH D009386, MONDO:0015356.

Submissions (3):

Ambry Genetics
Classification: Pathogenic for Hereditary cancer-predisposing syndrome. Last evaluated: 2025-03-18. Review status: criteria provided, single submitter. Criteria: Ambry Variant Classification Scheme 2023. Collection method: clinical testing. Allele origin: germline.
Comment: The p.Y67* pathogenic mutation (also known as c.201T>G), located in coding exon 2 of the FH gene, results from a T to G substitution at nucleotide position 201. This changes the amino acid from a tyrosine to a stop codon within coding exon 2. This variant is considered to be rare based on population cohorts in the Genome Aggregation Database (gnomAD). This alteration is expected to result in loss of function by premature protein truncation or nonsense-mediated mRNA decay. As such, this alteration is interpreted as a disease-causing mutation.

Labcorp Genetics (formerly Invitae), Labcorp
Classification: Pathogenic. Last evaluated: 2023-03-29. Review status: criteria provided, single submitter. Criteria: Invitae Variant Classification Sherloc (09022015). Collection method: clinical testing. Allele origin: germline.
Comment: This variant is not present in population databases (gnomAD no frequency). This sequence change creates a premature translational stop signal (p.Tyr67*) in the FH gene. It is expected to result in an absent or disrupted protein product. Loss-of-function variants in FH are known to be pathogenic (PMID: 11865300, 21398687). For these reasons, this variant has been classified as Pathogenic. ClinVar contains an entry for this variant (Variation ID: 576558). This variant has not been reported in the literature in individuals affected with FH-related conditions.

Myriad Genetics, Inc.
Classification: Pathogenic for Hereditary leiomyomatosis and renal cell cancer. Last evaluated: 2023-02-21. Review status: criteria provided, single submitter. Criteria: Myriad Autosomal Dominant, Autosomal Recessive and X-Linked Classification Criteria (2023). Collection method: clinical testing. Allele origin: unknown.
Comment: This variant is considered pathogenic. This variant creates a termination codon and is predicted to result in premature protein truncation.

Literature cited by the submitters: PubMed 11865300 (cited by Labcorp Genetics (formerly Invitae), Labcorp); PubMed 21398687 (cited by Labcorp Genetics (formerly Invitae), Labcorp).